The following is an entry in ClinVar:

ClinVar aggregate classification (germline): Pathogenic (1 of 4 stars; one submission).

Submission:

Labcorp Genetics (formerly Invitae), Labcorp
Classification: Pathogenic. Last evaluated: 2022-08-03. Review status: criteria provided, single submitter. Criteria: Invitae Variant Classification Sherloc (09022015). Collection method: clinical testing. Allele origin: germline.
Comment: This sequence change creates a premature translational stop signal (p.Ile896Asnfs*18) in the EMC1 gene. It is expected to result in an absent or disrupted protein product. Loss-of-function variants in EMC1 are known to be pathogenic (PMID: 26572623, 26942288, 29271071). This variant is not present in population databases (gnomAD no frequency). This variant has not been reported in the literature in individuals affected with EMC1-related conditions. For these reasons, this variant has been classified as Pathogenic.

Literature cited by the submitters: PubMed 26572623; PubMed 26942288; PubMed 29271071.

NM_015047.3(EMC1):c.2686dup (p.Ile896fs)

Genes: EMC1 (ER membrane protein complex subunit 1; minus strand), EMC1-AS1 (EMC1 antisense RNA 1; plus strand). Cytogenetic location: 1p36.13.
Variant type: Duplication.
Coding change: c.2686dup on transcript NM_015047.3 (MANE Select); coding-DNA position 2686, one base duplicated (A; older notation c.2686dupA).
Protein change: p.Ile896fs; shifts the reading frame from isoleucine 896.
Molecular consequence: frameshift variant.
Genome position (GRCh38, 1-based): chr1:19,219,685, T duplicated on the plus strand (A on the coding strand, the reverse complement: EMC1 is on the minus strand); the first of 2 consecutive T bases (chr1:19,219,685-19,219,686); duplicating either gives the same sequence. VCF-style (leftmost placement, unchanged base first): chr1-19219684-A-AT. GRCh37 (hg19) VCF-style: chr1-19546178-A-AT.
Other names: c.2683dup, p.Ile895fs (NM_001271427.2, NM_001271428.2); c.2620dup, p.Ile874fs (NM_001271429.2); c.2695dup, p.Ile899fs (NM_001375820.1); c.2692dup, p.Ile898fs (NM_001375821.1); short protein forms I895fs, I898fs, I874fs, I896fs, I899fs.
Identifiers: ClinVar variation 2050646 (VCV002050646.4), dbSNP rs1428618759, ClinGen allele CA729221421.